The following is an entry in ClinVar:

NM_006031.6(PCNT):c.6953C>T (p.Ser2318Phe)

Gene: PCNT (pericentrin; plus strand). Cytogenetic location: 21q22.3.
Variant type: single nucleotide variant.
Coding change: c.6953C>T on transcript NM_006031.6 (MANE Select); coding-DNA position 6953, C replaced by T.
Protein change: p.Ser2318Phe; replaces serine 2318 with phenylalanine.
Molecular consequence: missense variant.
Genome position (GRCh38, 1-based): chr21:46,418,235, C>T. VCF-style: chr21-46418235-C-T. GRCh37 (hg19) VCF-style: chr21-47838149-C-T.
Other names: c.6599C>T, p.Ser2200Phe (NM_001315529.2); short protein forms S2200F, S2318F.
Identifiers: ClinVar variation 4990154 (VCV004990154.1).

ClinVar aggregate classification (germline): Uncertain significance (1 of 4 stars; one submission).

Conditions:
PCNT-related disorder. Also called: PCNT-related condition.

gnomAD v4.1: 11 of 1,608,412 alleles (0.00068%); highest among the groups gnomAD compares: African/African-American, 0.0054%; no homozygotes.

Submission:

PreventionGenetics, part of Exact Sciences
Classification: Uncertain significance for PCNT-related condition. Last evaluated: 2025-04-23. Review status: criteria provided, single submitter. Criteria: ACMG Guidelines, 2015. Collection method: clinical testing. Allele origin: germline.
Comment: The PCNT c.6953C>T variant is predicted to result in the amino acid substitution p.Ser2318Phe. To our knowledge, this variant has not been reported in the literature. This variant is reported in 0.0080% of alleles in individuals of African descent in gnomAD. At this time, the clinical significance of this variant is uncertain due to the absence of conclusive functional and genetic evidence.